The following is an entry in ClinVar:

ClinVar aggregate classification (germline): Benign (0 of 4 stars; one submission).

Conditions:
SERPINA6-related disorder. Also called: SERPINA6-related condition.

Allele frequency attached by ClinVar (database versions not stated): 1000 Genomes Project 0.17991; 1000 Genomes Project 30x 0.18114; ExAC 0.22793; TOPMed 0.23635; gnomAD 0.24241; ESP Exome Variant Server 0.25888.
gnomAD v4.1: 412,811 of 1,613,854 alleles (26%); highest among the groups gnomAD compares: Non-Finnish European, 28%; 55,189 homozygotes.

Submission:

PreventionGenetics, part of Exact Sciences
Classification: Benign for SERPINA6-related condition. Last evaluated: 2019-11-12. Review status: no assertion criteria provided. Collection method: clinical testing. Allele origin: germline.
Comment: This variant is classified as benign based on ACMG/AMP sequence variant interpretation guidelines (Richards et al. 2015 PMID: 25741868, with internal and published modifications).

NM_001756.4(SERPINA6):c.738G>A (p.Ser246=)

Gene: SERPINA6 (serpin family A member 6; minus strand). Cytogenetic location: 14q32.13.
Variant type: single nucleotide variant.
Coding change: c.738G>A on transcript NM_001756.4 (MANE Select); coding-DNA position 738, G replaced by A.
Protein change: p.Ser246=; no amino-acid change (serine 246 retained).
Molecular consequence: synonymous variant.
Genome position (GRCh38, 1-based): chr14:94,309,882, C>T on the plus strand (G>A on the coding strand, the complement: SERPINA6 is on the minus strand). VCF-style: chr14-94309882-C-T. GRCh37 (hg19) VCF-style: chr14-94776219-C-T.
Identifiers: ClinVar variation 3060280 (VCV003060280.2), dbSNP rs2228542, ClinGen allele CA7327044.